The following is an entry in ClinVar:

NM_001379081.2(FREM1):c.1668C>T (p.Tyr556=)

Gene: FREM1 (FRAS1 related extracellular matrix 1; minus strand). Cytogenetic location: 9p22.3.
Variant type: single nucleotide variant.
Coding change: c.1668C>T on transcript NM_001379081.2 (MANE Select); coding-DNA position 1668, C replaced by T.
Protein change: p.Tyr556=; no amino-acid change (tyrosine 556 retained).
Molecular consequence: synonymous variant. On other transcripts: non-coding transcript variant (2).
Genome position (GRCh38, 1-based): chr9:14,842,386, G>A on the plus strand (C>T on the coding strand, the complement: FREM1 is on the minus strand). VCF-style: chr9-14842386-G-A. GRCh37 (hg19) VCF-style: chr9-14842384-G-A.
Other names: c.1668C>T, p.Tyr556= (NM_144966.7).
Identifiers: ClinVar variation 3035197 (VCV003035197.2), dbSNP rs1392823978, ClinGen allele CA464024403.

ClinVar aggregate classification (germline): Likely benign (0 of 4 stars; one submission).

Conditions:
FREM1-related disorder. Also called: FREM1-Related Disorders; FREM1-related condition.

Allele frequency attached by ClinVar (database versions not stated): gnomAD exomes below 0.00001.
gnomAD v4.1: 4 of 1,613,054 alleles (0.00025%); no homozygotes.

Submission:

PreventionGenetics, part of Exact Sciences
Classification: Likely benign for FREM1-related condition. Last evaluated: 2019-07-31. Review status: no assertion criteria provided. Collection method: clinical testing. Allele origin: germline.
Comment: This variant is classified as likely benign based on ACMG/AMP sequence variant interpretation guidelines (Richards et al. 2015 PMID: 25741868, with internal and published modifications).